The following is an entry in ClinVar:

ClinVar aggregate classification (germline): Likely pathogenic (1 of 4 stars; one submission).

Conditions:
Ellis-van Creveld syndrome (EVC). Also called: EVC-Related Ellis-van Creveld Syndrome; EVC2-Related Ellis-van Creveld Syndrome; MESOECTODERMAL DYSPLASIA; Chondroectodermal dysplasia. Identifiers: Orphanet 289, MedGen C0013903, MONDO:0009162, OMIM 225500.

Submission:

Myriad Genetics, Inc.
Classification: Likely pathogenic for Ellis-van Creveld syndrome. Last evaluated: 2022-03-31. Review status: criteria provided, single submitter. Criteria: Myriad Women's Health Autosomal Recessive and X-Linked Classification Criteria (2021). Collection method: clinical testing. Allele origin: unknown.
Comment: NM_147127.4(EVC2):c.750_751delTGinsA(G251Efs*27) is expected to be pathogenic in the context of EVC2-related Ellis-van Creveld syndrome. This variant is predicted to lead to an abnormal or absent protein product due to the creation of a premature termination codon in EVC2, a gene where loss-of-function variants are known to be pathogenic. Please note: this variant was assessed in the context of healthy population screening.

NM_147127.5(EVC2):c.750_751delinsA (p.Gly251fs)

Gene: EVC2 (EvC ciliary complex subunit 2; minus strand). Cytogenetic location: 4p16.2.
Variant type: Indel.
Coding change: c.750_751delinsA on transcript NM_147127.5 (MANE Select); coding-DNA positions 750 to 751, TG replaced by A.
Protein change: p.Gly251fs; shifts the reading frame from glycine 251.
Molecular consequence: frameshift variant.
Genome position (GRCh38, 1-based): chr4:5,685,435-5,685,436, CA replaced by T on the plus strand (TG replaced by A on the coding strand, the reverse complement: EVC2 is on the minus strand). VCF-style: chr4-5685435-CA-T. GRCh37 (hg19) VCF-style: chr4-5687162-CA-T.
Other names: c.510_511delinsA, p.Gly171fs (NM_001166136.2); short protein forms G171fs, G251fs.
Identifiers: ClinVar variation 1725725 (VCV001725725.2), dbSNP rs2475578805, ClinGen allele CA2580070765.